The following is an entry in ClinVar:

ClinVar aggregate classification (germline): Uncertain significance. Review status: criteria provided, multiple submitters, no conflicts (2 of 4 stars). 2 submissions from 2 submitters: Uncertain significance (2). Last evaluated 2025-10-08.

Allele frequency attached by ClinVar (database versions not stated): TOPMed 0.00003; ExAC 0.00004; gnomAD 0.00004; gnomAD exomes 0.00008.
gnomAD v4.1: 113 of 1,582,076 alleles (0.0071%); highest among the groups gnomAD compares: Non-Finnish European, 0.0094%; no homozygotes.

Submissions (2):

Labcorp Genetics (formerly Invitae), Labcorp
Classification: Uncertain significance. Last evaluated: 2025-10-08. Review status: criteria provided, single submitter. Criteria: Invitae Variant Classification Sherloc (09022015). Collection method: clinical testing. Allele origin: germline.
Comment: This sequence change replaces valine, which is neutral and non-polar, with alanine, which is neutral and non-polar, at codon 268 of the FZD2 protein (p.Val268Ala). This variant is present in population databases (rs769050190, gnomAD 0.008%). This variant has not been reported in the literature in individuals affected with FZD2-related conditions. ClinVar contains an entry for this variant (Variation ID: 2178752). Invitae Evidence Modeling of protein sequence and biophysical properties (such as structural, functional, and spatial information, amino acid conservation, physicochemical variation, residue mobility, and thermodynamic stability) indicates that this missense variant is not expected to disrupt FZD2 protein function with a negative predictive value of 80%. In summary, the available evidence is currently insufficient to determine the role of this variant in disease. Therefore, it has been classified as a Variant of Uncertain Significance.

Ambry Genetics
Classification: Uncertain significance. Last evaluated: 2023-12-14. Review status: criteria provided, single submitter. Criteria: Ambry Variant Classification Scheme 2023. Collection method: clinical testing. Allele origin: germline.

NM_001466.4(FZD2):c.803T>C (p.Val268Ala)

Gene: FZD2 (frizzled class receptor 2; plus strand). Cytogenetic location: 17q21.31.
Variant type: single nucleotide variant.
Coding change: c.803T>C on transcript NM_001466.4 (MANE Select); coding-DNA position 803, T replaced by C.
Protein change: p.Val268Ala; replaces valine 268 with alanine.
Molecular consequence: missense variant.
Genome position (GRCh38, 1-based): chr17:44,558,491, T>C. VCF-style: chr17-44558491-T-C. GRCh37 (hg19) VCF-style: chr17-42635859-T-C.
Other names: c.803T>C (NM_001466.3); short protein forms V268A.
Identifiers: ClinVar variation 2178752 (VCV002178752.5), dbSNP rs769050190, ClinGen allele CA8604709.